The following is an entry in ClinVar:

ClinVar aggregate classification (germline): Uncertain significance (0 of 4 stars; one submission).

Conditions:
PLXNA4-related disorder. Also called: PLXNA4-related condition.

gnomAD v4.1: 24 of 1,611,792 alleles (0.0015%); highest among the groups gnomAD compares: Middle Eastern, 0.017%; no homozygotes.

Submission:

PreventionGenetics, part of Exact Sciences
Classification: Uncertain significance for PLXNA4-related condition. Last evaluated: 2024-09-08. Review status: no assertion criteria provided. Collection method: clinical testing. Allele origin: germline.
Comment: The PLXNA4 c.1377T>A is a noncoding alteration. This variant is predicted to alter splicing based on available splicing prediction programs (SpliceAI, Jaganathan et al. 2019. PubMed ID: 30661751); however, such computer prediction programs are imperfect. To our knowledge, this variant has not been reported in the literature. This variant is reported in 0.021% of alleles in individuals of African descent in gnomAD. At this time, the clinical significance of this variant is uncertain due to the absence of conclusive functional and genetic evidence.

NM_020911.2(PLXNA4):c.1372-87068T>A

Gene: PLXNA4 (plexin A4; minus strand). Cytogenetic location: 7q32.3.
Variant type: single nucleotide variant.
Coding change: c.1372-87068T>A on transcript NM_020911.2 (MANE Select); 87068 bases into the intron before coding-DNA position 1372, T replaced by A.
Molecular consequence: intron variant. On other transcripts: synonymous variant (1).
Genome position (GRCh38, 1-based): chr7:132,385,290, A>T on the plus strand (T>A on the coding strand, the complement: PLXNA4 is on the minus strand). VCF-style: chr7-132385290-A-T. GRCh37 (hg19) VCF-style: chr7-132070049-A-T.
Other names: c.1377T>A, p.Pro459= (NM_001105543.2); c.1372-87068T>A (NM_001393897.1).
Identifiers: ClinVar variation 3349937 (VCV003349937.1).